The following is an entry in ClinVar:

NM_000245.4(MET):c.1477G>A (p.Glu493Lys)

Gene: MET (MET proto-oncogene, receptor tyrosine kinase; plus strand). Cytogenetic location: 7q31.2.
Variant type: single nucleotide variant.
Coding change: c.1477G>A on transcript NM_000245.4 (MANE Select); coding-DNA position 1477, G replaced by A.
Protein change: p.Glu493Lys; replaces glutamic acid 493 with lysine.
Molecular consequence: missense variant.
Genome position (GRCh38, 1-based): chr7:116,740,034, G>A. VCF-style: chr7-116740034-G-A. GRCh37 (hg19) VCF-style: chr7-116380088-G-A.
Other names: c.1477G>A (NM_001127500.1); c.1477G>A, p.Glu493Lys (NM_001127500.3, NM_001324401.3); c.187G>A, p.Glu63Lys (NM_001324402.2); short protein forms E493K, E63K.
Identifiers: ClinVar variation 1009066 (VCV001009066.9), dbSNP rs965319455, ClinGen allele CA368974174.

ClinVar aggregate classification (germline): Conflicting classifications of pathogenicity. Review status: criteria provided, conflicting classifications (1 of 4 stars). 2 submissions from 2 submitters: Uncertain significance (1); Likely benign (1). Last evaluated 2026-01-14.

Conditions:
Renal cell carcinoma. Identifiers: Orphanet 217071, MedGen C0007134, MeSH D002292, MONDO:0005086, HP:0005584.
Hereditary cancer-predisposing syndrome. Also called: Tumor predisposition; Hereditary neoplastic syndrome; Neoplastic Syndromes, Hereditary; Hereditary Cancer Syndrome. Identifiers: Orphanet 140162, MedGen C0027672, MeSH D009386, MONDO:0015356.

Submissions (2):

Labcorp Genetics (formerly Invitae), Labcorp
Classification: Uncertain significance for Renal cell carcinoma. Last evaluated: 2026-01-14. Review status: criteria provided, single submitter. Criteria: Invitae Variant Classification Sherloc (09022015). Collection method: clinical testing. Allele origin: germline.
Comment: This sequence change replaces glutamic acid, which is acidic and polar, with lysine, which is basic and polar, at codon 493 of the MET protein (p.Glu493Lys). This variant is not present in population databases (gnomAD no frequency). This variant has not been reported in the literature in individuals affected with MET-related conditions. ClinVar contains an entry for this variant (Variation ID: 1009066). An algorithm developed to predict the effect of missense changes on protein structure and function outputs the following: PolyPhen-2: "Benign". The lysine amino acid residue is found in multiple mammalian species, which suggests that this missense change does not adversely affect protein function. In summary, the available evidence is currently insufficient to determine the role of this variant in disease. Therefore, it has been classified as a Variant of Uncertain Significance.

Ambry Genetics
Classification: Likely benign for Hereditary cancer-predisposing syndrome. Last evaluated: 2025-04-07. Review status: criteria provided, single submitter. Criteria: Ambry Variant Classification Scheme 2023. Collection method: clinical testing. Allele origin: germline.